The following is an entry in ClinVar:

NM_015512.5(DNAH1):c.3596A>G (p.Asp1199Gly)

Gene: DNAH1 (dynein axonemal heavy chain 1; plus strand). Cytogenetic location: 3p21.1.
Variant type: single nucleotide variant.
Coding change: c.3596A>G on transcript NM_015512.5 (MANE Select); coding-DNA position 3596, A replaced by G.
Protein change: p.Asp1199Gly; replaces aspartic acid 1199 with glycine.
Molecular consequence: missense variant.
Genome position (GRCh38, 1-based): chr3:52,354,958, A>G. VCF-style: chr3-52354958-A-G. GRCh37 (hg19) VCF-style: chr3-52388974-A-G.
Other names: short protein forms D1199G.
Identifiers: ClinVar variation 3252211 (VCV003252211.1), dbSNP rs765280887.

ClinVar aggregate classification (germline): Uncertain significance (1 of 4 stars; one submission).

Allele frequency attached by ClinVar (database versions not stated): gnomAD exomes below 0.00001; ExAC 0.00001.
gnomAD v4.1: 5 of 1,614,060 alleles (0.00031%); highest among the groups gnomAD compares: Non-Finnish European, 0.00042%; no homozygotes.

Submission:

GeneDx
Classification: Uncertain significance. Last evaluated: 2023-12-12. Review status: criteria provided, single submitter. Criteria: GeneDx Variant Classification Process June 2021. Collection method: clinical testing. Allele origin: germline. Affected: yes.
Comment: Not observed at significant frequency in large population cohorts (gnomAD); In silico analysis supports that this missense variant has a deleterious effect on protein structure/function; Has not been previously published as pathogenic or benign to our knowledge